The following is an entry in ClinVar:

ClinVar aggregate classification (germline): Uncertain significance (1 of 4 stars; one submission).

Conditions:
FASN-related disorder. Also called: FASN-related condition.

gnomAD v4.1: 9 of 1,612,792 alleles (0.00056%); highest among the groups gnomAD compares: Non-Finnish European, 0.00076%; no homozygotes.

Submission:

PreventionGenetics, part of Exact Sciences
Classification: Uncertain significance for FASN-related condition. Last evaluated: 2023-01-30. Review status: criteria provided, single submitter. Criteria: ACMG Guidelines, 2015. Collection method: clinical testing. Allele origin: germline.
Comment: The FASN c.5462G>T variant is predicted to result in the amino acid substitution p.Gly1821Val. To our knowledge, this variant has not been reported in the literature or in a large population database, indicating this variant is rare. At this time, the clinical significance of this variant is uncertain due to the absence of conclusive functional and genetic evidence.

NM_004104.5(FASN):c.5462G>T (p.Gly1821Val)

Gene: FASN (fatty acid synthase; minus strand). Cytogenetic location: 17q25.3.
Variant type: single nucleotide variant.
Coding change: c.5462G>T on transcript NM_004104.5 (MANE Select); coding-DNA position 5462, G replaced by T.
Protein change: p.Gly1821Val; replaces glycine 1821 with valine.
Molecular consequence: missense variant.
Genome position (GRCh38, 1-based): chr17:82,083,305, C>A on the plus strand (G>T on the coding strand, the complement: FASN is on the minus strand). VCF-style: chr17-82083305-C-A. GRCh37 (hg19) VCF-style: chr17-80041181-C-A.
Other names: short protein forms G1821V.
Identifiers: ClinVar variation 2629795 (VCV002629795.1), dbSNP rs1046192365, ClinGen allele CA401537898.